The following is an entry in ClinVar:

ClinVar aggregate classification (germline): Likely pathogenic (1 of 4 stars; one submission).

Conditions:
Usher syndrome type 1 (USH1). Also called: RETINITIS PIGMENTOSA AND CONGENITAL DEAFNESS. Identifiers: Orphanet 231169, Orphanet 886, MedGen C1568247, MONDO:0010168, OMIM 276900.

Submission:

Myriad Genetics, Inc.
Classification: Likely pathogenic for Usher syndrome type 1. Last evaluated: 2022-03-14. Review status: criteria provided, single submitter. Criteria: Myriad Women's Health Autosomal Recessive and X-Linked Classification Criteria (2021). Collection method: clinical testing. Allele origin: unknown.
Comment: NM_000260.3(MYO7A):c.2839_2840ins13(F947Cfs*23) is expected to be pathogenic in the context of MYO7A-related disorders. This variant is predicted to lead to an abnormal or absent protein product due to the creation of a premature termination codon in MYO7A, a gene where loss-of-function variants are known to be pathogenic. Please note: this variant was assessed in the context of healthy population screening.

NM_000260.4(MYO7A):c.2839_2840insGTATAAGAGACAG (p.Phe947fs)

Gene: MYO7A (myosin VIIA; plus strand). Cytogenetic location: 11q13.5.
Variant type: Insertion.
Coding change: c.2839_2840insGTATAAGAGACAG on transcript NM_000260.4 (MANE Select); coding-DNA positions 2839 to 2840, GTATAAGAGACAG inserted.
Protein change: p.Phe947fs; shifts the reading frame from phenylalanine 947.
Molecular consequence: frameshift variant.
Genome position: GRCh38 VCF-style: chr11-77181524-T-TGTATAAGAGACAG. GRCh37 (hg19) VCF-style: chr11-76892570-T-TGTATAAGAGACAG.
Other names: c.2839_2840insGTATAAGAGACAG, p.Phe947fs (NM_001127180.2); c.2806_2807insGTATAAGAGACAG, p.Phe936fs (NM_001369365.1); short protein forms F936fs, F947fs.
Identifiers: ClinVar variation 1725219 (VCV001725219.2), dbSNP rs2497205388, ClinGen allele CA2580084952.
Genomic context (GRCh38, chr11:77,181,524, plus strand): 5'-GAGCAGATGGAAAGGGCCCGCCATGAGCCTGTCAATCACTCAGACATGGTGGACAAGATG[T>TGTATAAGAGACAG]TTGGCTTCCTGGGGACTTCAGGTGGCCTGCCAGGCCAGGAGGGCCAGGCACCTAGTGGCT-3'